The following is an entry in ClinVar:

ClinVar aggregate classification (germline): Uncertain significance. Review status: criteria provided, multiple submitters, no conflicts (2 of 4 stars). 2 submissions from 2 submitters: Uncertain significance (2). Last evaluated 2021-12-28.

Allele frequency attached by ClinVar (database versions not stated): gnomAD exomes below 0.00001 and 0.00002; gnomAD 0.00001; TOPMed 0.00001.
gnomAD v4.1: 24 of 1,614,044 alleles (0.0015%); highest among the groups gnomAD compares: Non-Finnish European, 0.0019%; no homozygotes.

Submissions (2):

GeneDx
Classification: Uncertain significance. Last evaluated: 2021-12-28. Review status: criteria provided, single submitter. Criteria: GeneDx Variant Classification Process June 2021. Collection method: clinical testing. Allele origin: germline. Affected: yes.
Comment: Not observed at significant frequency in large population cohorts (gnomAD); In silico analysis supports that this missense variant has a deleterious effect on protein structure/function; Has not been previously published as pathogenic or benign to our knowledge

Athena Diagnostics
Classification: Uncertain significance. Last evaluated: 2019-05-03. Review status: criteria provided, single submitter. Criteria: Athena Diagnostics Criteria. Collection method: clinical testing. Allele origin: germline.

NM_198994.3(TGM6):c.982A>G (p.Ser328Gly)

Gene: TGM6 (transglutaminase 6; plus strand). Cytogenetic location: 20p13.
Variant type: single nucleotide variant.
Coding change: c.982A>G on transcript NM_198994.3 (MANE Select); coding-DNA position 982, A replaced by G.
Protein change: p.Ser328Gly; replaces serine 328 with glycine.
Molecular consequence: missense variant.
Genome position (GRCh38, 1-based): chr20:2,400,437, A>G. VCF-style: chr20-2400437-A-G. GRCh37 (hg19) VCF-style: chr20-2381083-A-G.
Other names: c.982A>G, p.Ser328Gly (NM_001254734.2); short protein forms S328G.
Identifiers: ClinVar variation 805668 (VCV000805668.3), dbSNP rs1271717343, ClinGen allele CA408011804.
Genomic context (GRCh38, chr20:2,400,437, plus strand): 5'-CTGAGTGTGGACAAATACGTGGACTCCTTCGGGCGGACCCTGGAGGACCTGACAGAAGAC[A>G]GCATGTGGTGGGTCCTGCCCCCAGCCTAGGCCCGAGGGCTCTGGAAGCCCAGCAGGTGGA-3'
Protein context (NP_945345.2, residues 318-338): GRTLEDLTED[Ser328Gly]MWNFHVWNES